The following is an entry in ClinVar:

ClinVar aggregate classification (germline): Uncertain significance (1 of 4 stars; one submission).

Conditions:
Familial melanoma. Also called: Hereditary melanoma; Hereditary cutaneous melanoma. Identifiers: Orphanet 618, MedGen C1512419, MONDO:0018961.

Submission:

Labcorp Genetics (formerly Invitae), Labcorp
Classification: Uncertain significance for Familial melanoma. Last evaluated: 2022-09-18. Review status: criteria provided, single submitter. Criteria: Invitae Variant Classification Sherloc (09022015). Collection method: clinical testing. Allele origin: germline.
Comment: This variant has not been reported in the literature in individuals affected with CDK4-related conditions. This sequence change replaces proline, which is neutral and non-polar, with alanine, which is neutral and non-polar, at codon 250 of the CDK4 protein (p.Pro250Ala). This variant is not present in population databases (gnomAD no frequency). Algorithms developed to predict the effect of missense changes on protein structure and function (SIFT, PolyPhen-2, Align-GVGD) all suggest that this variant is likely to be tolerated. In summary, the available evidence is currently insufficient to determine the role of this variant in disease. Therefore, it has been classified as a Variant of Uncertain Significance.

NM_000075.4(CDK4):c.748C>G (p.Pro250Ala)

Genes: CDK4 (cyclin dependent kinase 4; minus strand), TSPAN31 (tetraspanin 31; plus strand). Cytogenetic location: 12q14.1.
Variant type: single nucleotide variant.
Coding change: c.748C>G on transcript NM_000075.4 (MANE Select); coding-DNA position 748, C replaced by G.
Protein change: p.Pro250Ala; replaces proline 250 with alanine.
Molecular consequence: missense variant. On other transcripts: 3 prime UTR variant (3).
Genome position (GRCh38, 1-based): chr12:57,749,253, G>C on the plus strand (C>G on the coding strand, the complement: CDK4 is on the minus strand). VCF-style: chr12-57749253-G-C. GRCh37 (hg19) VCF-style: chr12-58143036-G-C.
Other names: c.*1963G>C (NM_001330168.2, NM_001330169.2, NM_005981.5); short protein forms P250A.
Identifiers: ClinVar variation 2154539 (VCV002154539.4), dbSNP rs2140382889, ClinGen allele CA385543357.